The following is an entry in ClinVar:

NM_001447.3(FAT2):c.2395C>A (p.Gln799Lys)

Gene: FAT2 (FAT atypical cadherin 2; minus strand). Cytogenetic location: 5q33.1.
Variant type: single nucleotide variant.
Coding change: c.2395C>A on transcript NM_001447.3 (MANE Select); coding-DNA position 2395, C replaced by A.
Protein change: p.Gln799Lys; replaces glutamine 799 with lysine.
Molecular consequence: missense variant.
Genome position (GRCh38, 1-based): chr5:151,566,537, G>T on the plus strand (C>A on the coding strand, the complement: FAT2 is on the minus strand). VCF-style: chr5-151566537-G-T. GRCh37 (hg19) VCF-style: chr5-150946098-G-T.
Other names: c.2395C>A (NM_001447.2); short protein forms Q799K.
Identifiers: ClinVar variation 2176680 (VCV002176680.5), dbSNP rs368278070, ClinGen allele CA3522082.

ClinVar aggregate classification (germline): Uncertain significance. Review status: criteria provided, multiple submitters, no conflicts (2 of 4 stars). 2 submissions from 2 submitters: Uncertain significance (2). Last evaluated 2025-04-08.

Allele frequency attached by ClinVar (database versions not stated): ESP Exome Variant Server 0.00008; gnomAD 0.00008; gnomAD exomes 0.00008; TOPMed 0.00015; ExAC 0.00016.
gnomAD v4.1: 137 of 1,613,922 alleles (0.0085%); highest among the groups gnomAD compares: Middle Eastern, 0.082%; 1 homozygote.

Submissions (2):

Ambry Genetics
Classification: Uncertain significance. Last evaluated: 2025-04-08. Review status: criteria provided, single submitter. Criteria: Ambry Variant Classification Scheme 2023. Collection method: clinical testing. Allele origin: germline.

Labcorp Genetics (formerly Invitae), Labcorp
Classification: Uncertain significance. Last evaluated: 2024-12-11. Review status: criteria provided, single submitter. Criteria: Invitae Variant Classification Sherloc (09022015). Collection method: clinical testing. Allele origin: germline.
Comment: This sequence change replaces glutamine, which is neutral and polar, with lysine, which is basic and polar, at codon 799 of the FAT2 protein (p.Gln799Lys). This variant is present in population databases (rs368278070, gnomAD 0.05%). This variant has not been reported in the literature in individuals affected with FAT2-related conditions. ClinVar contains an entry for this variant (Variation ID: 2176680). Invitae Evidence Modeling of protein sequence and biophysical properties (such as structural, functional, and spatial information, amino acid conservation, physicochemical variation, residue mobility, and thermodynamic stability) indicates that this missense variant is not expected to disrupt FAT2 protein function with a negative predictive value of 80%. In summary, the available evidence is currently insufficient to determine the role of this variant in disease. Therefore, it has been classified as a Variant of Uncertain Significance.